The following is an entry in ClinVar:

ClinVar aggregate classification (germline): Uncertain significance (1 of 4 stars; one submission).

gnomAD v4.1: 2 of 1,211,177 alleles (0.00017%); highest among the groups gnomAD compares: Admixed American, 0.0043%; no homozygotes.

Submission:

Labcorp Genetics (formerly Invitae), Labcorp
Classification: Uncertain significance. Last evaluated: 2025-06-10. Review status: criteria provided, single submitter. Criteria: Invitae Variant Classification Sherloc (09022015). Collection method: clinical testing. Allele origin: germline.
Comment: This sequence change replaces threonine, which is neutral and polar, with serine, which is neutral and polar, at codon 637 of the TBC1D8B protein (p.Thr637Ser). This variant is present in population databases (no rsID available, gnomAD 0.008%). This variant has not been reported in the literature in individuals affected with TBC1D8B-related conditions. An algorithm developed to predict the effect of missense changes on protein structure and function (PolyPhen-2) suggests that this variant is likely to be tolerated. In summary, the available evidence is currently insufficient to determine the role of this variant in disease. Therefore, it has been classified as a Variant of Uncertain Significance.

NM_017752.3(TBC1D8B):c.1909A>T (p.Thr637Ser)

Gene: TBC1D8B (TBC1 domain family member 8B; plus strand). Cytogenetic location: Xq22.3.
Variant type: single nucleotide variant.
Coding change: c.1909A>T on transcript NM_017752.3 (MANE Select); coding-DNA position 1909, A replaced by T.
Protein change: p.Thr637Ser; replaces threonine 637 with serine.
Molecular consequence: missense variant.
Genome position (GRCh38, 1-based): chrX:106,850,096, A>T. VCF-style: chrX-106850096-A-T. GRCh37 (hg19) VCF-style: chrX-106093326-A-T.
Other names: c.1759A>T, p.Thr587Ser (NM_001441214.1); c.1615A>T, p.Thr539Ser (NM_001441215.1); short protein forms T539S, T637S, T587S.
Identifiers: ClinVar variation 4768117 (VCV004768117.1).